The following is an entry in ClinVar:

ClinVar aggregate classification (germline): Uncertain significance (1 of 4 stars; one submission).

Conditions:
Inborn genetic diseases. Identifiers: MedGen C0950123, MeSH D030342.

Submission:

Ambry Genetics
Classification: Uncertain significance for Inborn genetic diseases. Last evaluated: 2021-01-13. Review status: criteria provided, single submitter. Criteria: Ambry Variant Classification Scheme 2023. Collection method: clinical testing. Allele origin: germline.
Comment: The c.1600_1601delGTinsCC (p.V534P) alteration, located in exon 9 (coding exon 8) of the KIAA0753 gene, consists of an in-frame substitution of 2 nucleotides from position 1600 to 1601, resulting in the insertion of <NA> residues. Based on insufficient or conflicting evidence, the clinical significance of this alteration remains unclear.

NM_014804.3(KIAA0753):c.1600_1601delinsCC (p.Val534Pro)

Gene: KIAA0753 (KIAA0753; minus strand). Cytogenetic location: 17p13.1.
Variant type: Indel.
Coding change: c.1600_1601delinsCC on transcript NM_014804.3 (MANE Select); coding-DNA positions 1600 to 1601, GT replaced by CC.
Protein change: p.Val534Pro; replaces valine 534 with proline.
Molecular consequence: missense variant. On other transcripts: non-coding transcript variant (3).
Genome position (GRCh38, 1-based): chr17:6,610,105-6,610,106, AC replaced by GG on the plus strand (GT replaced by CC on the coding strand, the reverse complement: KIAA0753 is on the minus strand). VCF-style: chr17-6610105-AC-GG. GRCh37 (hg19) VCF-style: chr17-6513425-AC-GG.
Other names: c.703_704delinsCC, p.Val235Pro (NM_001351225.2); short protein forms V235P, V534P.
Identifiers: ClinVar variation 2228962 (VCV002228962.2), dbSNP rs2544410655, ClinGen allele CA2580094731.